The following is an entry in ClinVar:

NM_006766.5(KAT6A):c.1043+5G>A

Gene: KAT6A (lysine acetyltransferase 6A; minus strand). Cytogenetic location: 8p11.21.
Variant type: single nucleotide variant.
Coding change: c.1043+5G>A on transcript NM_006766.5 (MANE Select); 5 bases into the intron after coding-DNA position 1043, G replaced by A.
Molecular consequence: intron variant.
Genome position (GRCh38, 1-based): chr8:41,978,637, C>T on the plus strand (G>A on the coding strand, the complement: KAT6A is on the minus strand). VCF-style: chr8-41978637-C-T. GRCh37 (hg19) VCF-style: chr8-41836155-C-T.
Other names: c.1043+5G>A (NM_001305878.2).
Identifiers: ClinVar variation 3726520 (VCV003726520.2).
Genomic context (GRCh38, chr8:41,978,637, plus strand): 5'-GAATCCTACACTATAGAGAAGACCCTATCCTTTTCTCCCCTCACCTTGCCACAAGTACAA[C>T]TTACACCGTGTTTTGTTTCTTTAACCTGTTTTTTGGACGTCCTATTGGATTAGTATAGCG-3'

ClinVar aggregate classification (germline): Uncertain significance (1 of 4 stars; one submission).

Submission:

Labcorp Genetics (formerly Invitae), Labcorp
Classification: Uncertain significance. Last evaluated: 2024-12-03. Review status: criteria provided, single submitter. Criteria: Invitae Variant Classification Sherloc (09022015). Collection method: clinical testing. Allele origin: germline.
Comment: This sequence change falls in intron 6 of the KAT6A gene. It does not directly change the encoded amino acid sequence of the KAT6A protein. It affects a nucleotide within the consensus splice site. This variant is not present in population databases (gnomAD no frequency). This variant has not been reported in the literature in individuals affected with KAT6A-related conditions. Variants that disrupt the consensus splice site are a relatively common cause of aberrant splicing (PMID: 17576681, 9536098). Algorithms developed to predict the effect of sequence changes on RNA splicing suggest that this variant may disrupt the consensus splice site. In summary, the available evidence is currently insufficient to determine the role of this variant in disease. Therefore, it has been classified as a Variant of Uncertain Significance.

Literature cited by the submitters: PubMed 17576681; PubMed 9536098.